The following is an entry in ClinVar:

ClinVar aggregate classification (germline): Conflicting classifications of pathogenicity. Review status: criteria provided, conflicting classifications (1 of 4 stars). 5 submissions from 5 submitters: Uncertain significance (1); Benign (1); Likely benign (3). Last evaluated 2026-03-01.

Conditions:
Acquired hemoglobin H disease (ATMDS). Also called: Alpha-thalassemia-myelodysplastic syndrome; Alpha-thalassemia myelodysplasia syndrome; Alpha-thalassemia myelodysplasia syndrome, somatic. Identifiers: Orphanet 231401, MedGen C0585216, MONDO:0010328, OMIM 300448.
Alpha thalassemia-X-linked intellectual disability syndrome (ATRX). Also called: ATR-X syndrome; Alpha thalassemia mental retardation syndrome, nondeletion type, X-linked; XLMR hypotonic face syndrome; ALPHA-THALASSEMIA/MENTAL RETARDATION SYNDROME, X-LINKED; ATR, NONDELETION TYPE; X-linked alpha-thalassemia-mental retardation syndrome. Identifiers: Orphanet 847, MedGen C1845055, MONDO:0010519, OMIM 301040.
Intellectual disability-hypotonic facies syndrome, X-linked, 1 (MRXHF1). Also called: Smith Fineman Myers syndrome 1; CHUDLEY-LOWRY SYNDROME; Chudley syndrome 1; Chudley-Lowry-Hoar syndrome; Carpenter-Waziri syndrome; X-linked intellectual disability-hypotonic face syndrome. Identifiers: Orphanet 73220, Orphanet 93970, Orphanet 93971, Orphanet 93972, Orphanet 93973, Orphanet 93974, Orphanet 93975, MedGen C4759781, MONDO:0010663, OMIM 309580.
Inborn genetic diseases. Identifiers: MedGen C0950123, MeSH D030342.

Allele frequency attached by ClinVar (database versions not stated): gnomAD exomes 0.00003 and 0.00011; ExAC 0.00010; 1000 Genomes Project 0.00026; TOPMed 0.00003; gnomAD 0.00004 and 0.00006; 1000 Genomes Project 30x 0.00021.

Submissions (5):

CeGaT Center for Human Genetics Tuebingen
Classification: Likely benign. Last evaluated: 2026-03-01. Review status: criteria provided, single submitter. Criteria: CeGaT Center For Human Genetics Tuebingen Variant Classification Criteria Version 2. Collection method: clinical testing. Allele origin: germline. Affected: yes. Observed: 1 variant allele.
Comment: ATRX: BS2

Labcorp Genetics (formerly Invitae), Labcorp
Classification: Benign for Alpha thalassemia-X-linked intellectual disability syndrome. Last evaluated: 2026-01-04. Review status: criteria provided, single submitter. Criteria: Invitae Variant Classification Sherloc (09022015). Collection method: clinical testing. Allele origin: germline.

Department of Pathology and Laboratory Medicine, Sinai Health System
Classification: Uncertain significance for Acquired hemoglobin H disease; Alpha thalassemia-X-linked intellectual disability syndrome; Intellectual disability-hypotonic facies syndrome, X-linked, 1. Last evaluated: 2021-05-13. Review status: criteria provided, single submitter. Criteria: ACMG Guidelines, 2015. Collection method: research. Allele origin: germline.

GeneDx
Classification: Likely benign. Last evaluated: 2021-01-20. Review status: criteria provided, single submitter. Criteria: GeneDx Variant Classification Process June 2021. Collection method: clinical testing. Allele origin: germline. Affected: yes.

Ambry Genetics
Classification: Likely benign for Inborn genetic diseases. Last evaluated: 2017-12-28. Review status: criteria provided, single submitter. Criteria: Ambry Variant Classification Scheme 2023. Collection method: clinical testing. Allele origin: germline.

NM_000489.6(ATRX):c.2423G>A (p.Arg808Gln)

Gene: ATRX (ATRX chromatin remodeler; minus strand). Cytogenetic location: Xq21.1.
Variant type: single nucleotide variant.
Coding change: c.2423G>A on transcript NM_000489.6 (MANE Select); coding-DNA position 2423, G replaced by A.
Protein change: p.Arg808Gln; replaces arginine 808 with glutamine.
Molecular consequence: missense variant.
Genome position (GRCh38, 1-based): chrX:77,682,833, C>T on the plus strand (G>A on the coding strand, the complement: ATRX is on the minus strand). VCF-style: chrX-77682833-C-T. GRCh37 (hg19) VCF-style: chrX-76938325-C-T.
Other names: c.2309G>A, p.Arg770Gln (NM_138270.5); short protein forms R808Q, R770Q.
Identifiers: ClinVar variation 703195 (VCV000703195.24), dbSNP rs782181535, ClinGen allele CA10458087.